The following is an entry in ClinVar:

ClinVar aggregate classification (germline): Uncertain significance (1 of 4 stars; one submission).

Conditions:
Joubert syndrome 8 (JBTS8). Identifiers: Orphanet 475, MedGen C2676771, MONDO:0012855, OMIM 612291.

Allele frequency attached by ClinVar (database versions not stated): gnomAD exomes below 0.00001.
gnomAD v4.1: 2 of 1,606,874 alleles (0.00012%); highest among the groups gnomAD compares: Non-Finnish European, 0.00017%; no homozygotes.

Submission:

Labcorp Genetics (formerly Invitae), Labcorp
Classification: Uncertain significance for Joubert syndrome 8. Last evaluated: 2025-04-28. Review status: criteria provided, single submitter. Criteria: Invitae Variant Classification Sherloc (09022015). Collection method: clinical testing. Allele origin: germline.
Comment: This sequence change replaces cysteine, which is neutral and slightly polar, with tyrosine, which is neutral and polar, at codon 146 of the ARL13B protein (p.Cys146Tyr). This variant is present in population databases (no rsID available, gnomAD 0.0009%). This variant has not been reported in the literature in individuals affected with ARL13B-related conditions. ClinVar contains an entry for this variant (Variation ID: 1382759). Invitae Evidence Modeling of protein sequence and biophysical properties (such as structural, functional, and spatial information, amino acid conservation, physicochemical variation, residue mobility, and thermodynamic stability) indicates that this missense variant is not expected to disrupt ARL13B protein function with a negative predictive value of 80%. In summary, the available evidence is currently insufficient to determine the role of this variant in disease. Therefore, it has been classified as a Variant of Uncertain Significance.

NM_001174150.2(ARL13B):c.437G>A (p.Cys146Tyr)

Gene: ARL13B (ARF like GTPase 13B; plus strand). Cytogenetic location: 3q11.2.
Variant type: single nucleotide variant.
Coding change: c.437G>A on transcript NM_001174150.2 (MANE Select); coding-DNA position 437, G replaced by A.
Protein change: p.Cys146Tyr; replaces cysteine 146 with tyrosine.
Molecular consequence: missense variant. On other transcripts: non-coding transcript variant (2).
Genome position (GRCh38, 1-based): chr3:94,035,387, G>A. VCF-style: chr3-94035387-G-A. GRCh37 (hg19) VCF-style: chr3-93754231-G-A.
Other names: c.128G>A, p.Cys43Tyr (NM_001174151.2); c.392G>A, p.Cys131Tyr (NM_001321328.2); c.116G>A, p.Cys39Tyr (NM_144996.4); c.437G>A, p.Cys146Tyr (NM_182896.3); short protein forms C131Y, C39Y, C43Y, C146Y.
Identifiers: ClinVar variation 1382759 (VCV001382759.8), dbSNP rs865931355, ClinGen allele CA78533659.